The following is an entry in ClinVar:

NM_031885.5(BBS2):c.227G>C (p.Ser76Thr)

Gene: BBS2 (Bardet-Biedl syndrome 2; minus strand). Cytogenetic location: 16q13.
Variant type: single nucleotide variant.
Coding change: c.227G>C on transcript NM_031885.5 (MANE Select); coding-DNA position 227, G replaced by C.
Protein change: p.Ser76Thr; replaces serine 76 with threonine.
Molecular consequence: missense variant. On other transcripts: non-coding transcript variant (5).
Genome position (GRCh38, 1-based): chr16:56,514,571, C>G on the plus strand (G>C on the coding strand, the complement: BBS2 is on the minus strand). VCF-style: chr16-56514571-C-G. GRCh37 (hg19) VCF-style: chr16-56548483-C-G.
Other names: c.227G>C, p.Ser76Thr (NM_001377456.1); short protein forms S76T.
Identifiers: ClinVar variation 1422452 (VCV001422452.5), dbSNP rs895169510, ClinGen allele CA281485809.

ClinVar aggregate classification (germline): Uncertain significance (1 of 4 stars; one submission).

Conditions:
Bardet-Biedl syndrome (BBS). Identifiers: Orphanet 110, MedGen C0752166, MONDO:0015229.

Submission:

Labcorp Genetics (formerly Invitae), Labcorp
Classification: Uncertain significance for Bardet-Biedl syndrome. Last evaluated: 2025-01-13. Review status: criteria provided, single submitter. Criteria: Invitae Variant Classification Sherloc (09022015). Collection method: clinical testing. Allele origin: germline.
Comment: This sequence change replaces serine, which is neutral and polar, with threonine, which is neutral and polar, at codon 76 of the BBS2 protein (p.Ser76Thr). This variant is not present in population databases (gnomAD no frequency). This variant has not been reported in the literature in individuals affected with BBS2-related conditions. ClinVar contains an entry for this variant (Variation ID: 1422452). Invitae Evidence Modeling of protein sequence and biophysical properties (such as structural, functional, and spatial information, amino acid conservation, physicochemical variation, residue mobility, and thermodynamic stability) indicates that this missense variant is not expected to disrupt BBS2 protein function with a negative predictive value of 80%. In summary, the available evidence is currently insufficient to determine the role of this variant in disease. Therefore, it has been classified as a Variant of Uncertain Significance.